The following is an entry in ClinVar:

ClinVar aggregate classification (germline): Conflicting classifications of pathogenicity. Review status: criteria provided, conflicting classifications (1 of 4 stars). 6 submissions from 3 submitters: Uncertain significance (2); Likely benign (4). Last evaluated 2023-10-01.

Conditions:
Stargardt disease 4 (STGD4). Identifiers: Orphanet 827, MedGen C1863534, MONDO:0011370, OMIM 603786.
Retinal dystrophy. Also called: Inherited retinal dystrophy. Identifiers: Orphanet 71862, MedGen C0854723, MeSH D058499, MONDO:0019118, HP:0000556.
Retinitis pigmentosa (RP). Identifiers: Orphanet 791, MedGen C0035334, MeSH D012174, MONDO:0019200, OMIM 268000. Inheritance: Autosomal dominant, autosomal recessive and X linked inheritance.
Cone-rod dystrophy 12 (CORD12). Identifiers: Orphanet 1872, MedGen C2675210, MONDO:0012983, OMIM 612657.
Retinal macular dystrophy type 2 (MCDR2). Also called: Bull's eye macular dystrophy. Identifiers: Orphanet 319640, MedGen C4749334, MONDO:0011957, OMIM 608051.

Allele frequency attached by ClinVar (database versions not stated): gnomAD 0.00001 and 0.00003; TOPMed 0.00002; 1000 Genomes Project 30x 0.00016; 1000 Genomes Project 0.00020.
gnomAD v4.1: 39 of 1,613,878 alleles (0.0024%); highest among the groups gnomAD compares: East Asian, 0.082%; no homozygotes.

Submissions (6):

Dept Of Ophthalmology, Nagoya University
Classification: Likely benign for Retinal dystrophy. Last evaluated: 2023-10-01. Review status: criteria provided, single submitter. Criteria: Submitter's publication. Collection method: research. Allele origin: germline. Affected: yes.

Labcorp Genetics (formerly Invitae), Labcorp
Classification: Likely benign. Last evaluated: 2022-08-13. Review status: criteria provided, single submitter. Criteria: Invitae Variant Classification Sherloc (09022015). Collection method: clinical testing. Allele origin: germline.

Illumina Laboratory Services, Illumina
Classification: Uncertain significance for Retinal macular dystrophy type 2. Last evaluated: 2018-01-12. Review status: criteria provided, single submitter. Criteria: ICSL Variant Classification Criteria 13 December 2019. Collection method: clinical testing. Allele origin: germline.

Illumina Laboratory Services, Illumina
Classification: Uncertain significance for Retinitis pigmentosa. Last evaluated: 2018-01-12. Review status: criteria provided, single submitter. Criteria: ICSL Variant Classification Criteria 13 December 2019. Collection method: clinical testing. Allele origin: germline.

Illumina Laboratory Services, Illumina
Classification: Likely benign for Stargardt disease 4. Last evaluated: 2018-01-12. Review status: criteria provided, single submitter. Criteria: ICSL Variant Classification Criteria 13 December 2019. Collection method: clinical testing. Allele origin: germline.
Comment: This variant was observed in the ICSL laboratory as part of a predisposition screen in an ostensibly healthy population. It had not been previously curated by ICSL or reported in the Human Gene Mutation Database (HGMD: prior to June 1st, 2018), and was therefore a candidate for classification through an automated scoring system. Utilizing variant allele frequency, disease prevalence and penetrance estimates, and inheritance mode, an automated score was calculated to assess if this variant is too frequent to cause the disease. Based on the score and internal cut-off values, a variant classified as likely benign is not then subjected to further curation. The score for this variant resulted in a classification of likely benign for this disease.

Illumina Laboratory Services, Illumina
Classification: Likely benign for Cone-rod dystrophy 12. Last evaluated: 2018-01-12. Review status: criteria provided, single submitter. Criteria: ICSL Variant Classification Criteria 13 December 2019. Collection method: clinical testing. Allele origin: germline.
Comment: the same text as in the submission from Illumina Laboratory Services, Illumina above.

NM_006017.3(PROM1):c.1710C>T (p.Tyr570=)

Gene: PROM1 (prominin 1; minus strand). Cytogenetic location: 4p15.32.
Variant type: single nucleotide variant.
Coding change: c.1710C>T on transcript NM_006017.3 (MANE Select); coding-DNA position 1710, C replaced by T.
Protein change: p.Tyr570=; no amino-acid change (tyrosine 570 retained).
Molecular consequence: synonymous variant.
Genome position (GRCh38, 1-based): chr4:15,994,044, G>A on the plus strand (C>T on the coding strand, the complement: PROM1 is on the minus strand). VCF-style: chr4-15994044-G-A. GRCh37 (hg19) VCF-style: chr4-15995667-G-A.
Other names: c.1683C>T, p.Tyr561= (NM_001145847.2, NM_001145848.2, NM_001145851.2 and 4 more transcripts); c.1710C>T, p.Tyr570= (NM_001145849.2, NM_001145850.2).
Identifiers: ClinVar variation 899857 (VCV000899857.9), dbSNP rs201644238, ClinGen allele CA2866666.